The following is an entry in ClinVar:

ClinVar aggregate classification (germline): Pathogenic (0 of 4 stars; one submission).

Submission:

Quest Diagnostics Nichols Institute San Juan Capistrano
Classification: Pathogenic. Last evaluated: 2021-01-20. Review status: no assertion criteria provided. Collection method: clinical testing. Allele origin: germline.
Comment: The copy number loss of 12q15q21.2 involves several coding genes, including CNOT2 (OMIM 604909) and BBS10 (OMIM 610148), and is expected to cause phenotypic and/or developmental abnormalities. This deletion interval overlaps the region of chromosome 12q15 deletion syndrome (OMIM 618608), which is characterized by developmental delay, hypotonia, feeding problems, learning difficulties, nasal speech, skeletal anomalies, and facial dysmorphic features. Some patients may also have congenital heart defects, vision impairment or hypothyroidism. Genotype-phenotype correlation studies have proposed CNOT2 as the critical gene responsible for at least some of the core clinical features of 12q15 microdeletion syndrome, as evidenced by the phenotypic characterization of individuals with truncating variants and focal deletions of this gene (Alesi et al., Am J Med Genet A 2019;179(8):1615-1621, PMID: 31145527; Uehara et al., Am J Med Genet A 2019;179(4):659-662, PMID: 30768759; Uehara et al., Am J Med Genet A 2019;179(12):2506-2509, PMID: 31512373). Additionally, biallelic loss-of-function variants of BBS10 are associated with autosomal recessive Bardet-Biedl syndrome-10 (OMIM 615987), which is characterized by progressive retinal dystrophy, obesity, polydactyly, cognitive impairment, and renal dysplasia.

GRCh37/hg19 12q15-21.2(chr12:70084476-77065764)x1

Genes: TBC1D15 (TBC1 domain family member 15; plus strand), THAP2 (THAP domain containing 2; plus strand), TMEM19 (transmembrane protein 19; plus strand), TPH2 (tryptophan hydroxylase 2; plus strand), TRHDE (thyrotropin releasing hormone degrading enzyme; plus strand) and 22 more. Cytogenetic location: 12q15-21.2.
Variant type: copy number loss.
Change: copy number 1 (one copy instead of two) of chr12:70,084,476-77,065,764 (6.98 Mb, GRCh37 coordinates, 1-based), cytogenetic band 12q15-21.2.
Identifiers: ClinVar variation 1340527 (VCV001340527.1).